The following is an entry in ClinVar:

NM_004370.6(COL12A1):c.2984-3C>T

Gene: COL12A1 (collagen type XII alpha 1 chain; minus strand). Cytogenetic location: 6q13.
Variant type: single nucleotide variant.
Coding change: c.2984-3C>T on transcript NM_004370.6 (MANE Select); 3 bases into the intron before coding-DNA position 2984, C replaced by T.
Molecular consequence: intron variant.
Genome position (GRCh38, 1-based): chr6:75,156,526, G>A on the plus strand (C>T on the coding strand, the complement: COL12A1 is on the minus strand). VCF-style: chr6-75156526-G-A. GRCh37 (hg19) VCF-style: chr6-75866242-G-A.
Other names: c.74-4044C>T (NM_080645.3); c.2984-3C>T (NM_004370.5).
Identifiers: ClinVar variation 1018528 (VCV001018528.9), dbSNP rs1394199507, ClinGen allele CA828092767.
Genomic context (GRCh38, chr6:75,156,526, plus strand): 5'-ACTCTCATTGTGTTTTCTGTTTCTTCATCTACTTTCAGGGTTTTGGAATCTTGAGATACT[G>A]GGAGATAAAAGGAAGATTAAACTGTATACCATGTTGAAAAAAAATGTATGTCCACCTCTT-3'

ClinVar aggregate classification (germline): Uncertain significance. Review status: criteria provided, multiple submitters, no conflicts (2 of 4 stars). 2 submissions from 2 submitters: Uncertain significance (2). Last evaluated 2022-04-06.

Conditions:
Ullrich congenital muscular dystrophy 2 (UCMD2). Identifiers: Orphanet 75840, MedGen C4225314, MONDO:0014654, OMIM 616470.
Bethlem myopathy 2 (BTHLM2). Identifiers: Orphanet 536516, Orphanet 610, MedGen C4225313, MONDO:0034022, OMIM 616471.

Allele frequency attached by ClinVar (database versions not stated): TOPMed below 0.00001; gnomAD 0.00001.
gnomAD v4.1: 2 of 1,612,688 alleles (0.00012%); highest among the groups gnomAD compares: Non-Finnish European, 0.00017%; no homozygotes.

Submissions (2):

Labcorp Genetics (formerly Invitae), Labcorp
Classification: Uncertain significance for Bethlem myopathy 2; Ullrich congenital muscular dystrophy 2. Last evaluated: 2022-04-06. Review status: criteria provided, single submitter. Criteria: Invitae Variant Classification Sherloc (09022015). Collection method: clinical testing. Allele origin: germline.
Comment: This variant has not been reported in the literature in individuals affected with COL12A1-related conditions. This variant is not present in population databases (gnomAD no frequency). This sequence change falls in intron 14 of the COL12A1 gene. It does not directly change the encoded amino acid sequence of the COL12A1 protein. It affects a nucleotide within the consensus splice site. ClinVar contains an entry for this variant (Variation ID: 1018528). In summary, the available evidence is currently insufficient to determine the role of this variant in disease. Therefore, it has been classified as a Variant of Uncertain Significance. Variants that disrupt the consensus splice site are a relatively common cause of aberrant splicing (PMID: 17576681, 9536098). Algorithms developed to predict the effect of sequence changes on RNA splicing suggest that this variant is not likely to affect RNA splicing.

Revvity Omics, Revvity
Classification: Uncertain significance. Last evaluated: 2020-10-19. Review status: criteria provided, single submitter. Criteria: ACMG Guidelines, 2015. Collection method: clinical testing. Allele origin: germline.

Literature cited by the submitters: PubMed 17576681 (cited by Labcorp Genetics (formerly Invitae), Labcorp); PubMed 9536098 (cited by Labcorp Genetics (formerly Invitae), Labcorp).